The following is an entry in ClinVar:

NM_000260.4(MYO7A):c.2423A>G (p.Gln808Arg)

Gene: MYO7A (myosin VIIA; plus strand). Cytogenetic location: 11q13.5.
Variant type: single nucleotide variant.
Coding change: c.2423A>G on transcript NM_000260.4 (MANE Select); coding-DNA position 2423, A replaced by G.
Protein change: p.Gln808Arg; replaces glutamine 808 with arginine.
Molecular consequence: missense variant.
Genome position (GRCh38, 1-based): chr11:77,179,790, A>G. VCF-style: chr11-77179790-A-G. GRCh37 (hg19) VCF-style: chr11-76890836-A-G.
Other names: c.2423A>G, p.Gln808Arg (NM_001127180.2); c.2390A>G, p.Gln797Arg (NM_001369365.1); short protein forms Q797R, Q808R.
Identifiers: ClinVar variation 1704490 (VCV001704490.3), dbSNP rs2497174743, ClinGen allele CA381941562.

ClinVar aggregate classification (germline): Uncertain significance. Review status: criteria provided, single submitter (1 of 4 stars). 2 submissions from 2 submitters: Uncertain significance (1). 1 of the submissions does not count toward it. Last evaluated 2022-07-29.

Conditions:
MYO7A-related disorder. Also called: MYO7A-related disorders.

Submissions (2):

Women's Health and Genetics/Laboratory Corporation of America, LabCorp
Classification: Uncertain significance. Last evaluated: 2022-07-29. Review status: criteria provided, single submitter. Criteria: LabCorp Variant Classification Summary - May 2015. Collection method: clinical testing. Allele origin: germline.
Comment: Variant summary: MYO7A c.2423A>G (p.Gln808Arg) results in a conservative amino acid change in the encoded protein sequence. Five of five in-silico tools predict a benign effect of the variant on protein function. The variant was absent in 149594 control chromosomes (gnomAD). The available data on variant occurrences in the general population are insufficient to allow any conclusion about variant significance. To our knowledge, no occurrence of c.2423A>G in individuals affected with MYO7A-Related Disorders and no experimental evidence demonstrating its impact on protein function have been reported. No clinical diagnostic laboratories have submitted clinical-significance assessments for this variant to ClinVar after 2014. Based on the evidence outlined above, the variant was classified as uncertain significance.

PreventionGenetics, part of Exact Sciences
Classification: Uncertain significance for MYO7A-related condition. Last evaluated: 2023-12-12. Review status: no assertion criteria provided. Collection method: clinical testing. Allele origin: germline. Not counted in ClinVar's aggregate classification.
Comment: The MYO7A c.2423A>G variant is predicted to result in the amino acid substitution p.Gln808Arg. To our knowledge, this variant has not been reported in the literature or in a large population database, indicating this variant is rare. At this time, the clinical significance of this variant is uncertain due to the absence of conclusive functional and genetic evidence.